The following is an entry in ClinVar:

ClinVar aggregate classification (germline): Uncertain significance. Review status: criteria provided, multiple submitters, no conflicts (2 of 4 stars). 2 submissions from 2 submitters: Uncertain significance (2). Last evaluated 2025-12-15.

Conditions:
CSMD1-related disorder. Also called: CSMD1-related condition.

Allele frequency attached by ClinVar (database versions not stated): ExAC 0.00001; gnomAD 0.00002.
gnomAD v4.1: 5 of 1,613,600 alleles (0.00031%); highest among the groups gnomAD compares: Admixed American, 0.005%; no homozygotes.

Submissions (2):

Ambry Genetics
Classification: Uncertain significance. Last evaluated: 2025-12-15. Review status: criteria provided, single submitter. Criteria: Ambry Variant Classification Scheme 2023. Collection method: clinical testing. Allele origin: germline.

PreventionGenetics, part of Exact Sciences
Classification: Uncertain significance for CSMD1-related condition. Last evaluated: 2023-05-19. Review status: criteria provided, single submitter. Criteria: ACMG Guidelines, 2015. Collection method: clinical testing. Allele origin: germline.
Comment: The CSMD1 c.3887C>T variant is predicted to result in the amino acid substitution p.Ala1296Val. To our knowledge, this variant has not been reported in the literature. This variant is reported in 0.0% of alleles in individuals of African descent in gnomAD. At this time, the clinical significance of this variant is uncertain due to the absence of conclusive functional and genetic evidence.

NM_033225.6(CSMD1):c.3887C>T (p.Ala1296Val)

Gene: CSMD1 (CUB and Sushi multiple domains 1; minus strand). Cytogenetic location: 8p23.2.
Variant type: single nucleotide variant.
Coding change: c.3887C>T on transcript NM_033225.6 (MANE Select); coding-DNA position 3887, C replaced by T.
Protein change: p.Ala1296Val; replaces alanine 1296 with valine.
Molecular consequence: missense variant.
Genome position (GRCh38, 1-based): chr8:3,307,758, G>A on the plus strand (C>T on the coding strand, the complement: CSMD1 is on the minus strand). VCF-style: chr8-3307758-G-A. GRCh37 (hg19) VCF-style: chr8-3165280-G-A.
Other names: short protein forms A1296V.
Identifiers: ClinVar variation 2632945 (VCV002632945.2), dbSNP rs754786835, ClinGen allele CA4607592.